The following is an entry in ClinVar:

NM_000138.5(FBN1):c.2957C>T (p.Ala986Val)

Gene: FBN1 (fibrillin 1; minus strand). Cytogenetic location: 15q21.1.
Variant type: single nucleotide variant.
Coding change: c.2957C>T on transcript NM_000138.5 (MANE Select); coding-DNA position 2957, C replaced by T.
Protein change: p.Ala986Val; replaces alanine 986 with valine.
Molecular consequence: missense variant.
Genome position (GRCh38, 1-based): chr15:48,489,976, G>A on the plus strand (C>T on the coding strand, the complement: FBN1 is on the minus strand). VCF-style: chr15-48489976-G-A. GRCh37 (hg19) VCF-style: chr15-48782173-G-A.
Other names: c.2957C>T, p.Ala986Val (NM_001406716.1); short protein forms A986V.
Identifiers: ClinVar variation 2172253 (VCV002172253.5), dbSNP rs1490859586, ClinGen allele CA392329465.

ClinVar aggregate classification (germline): Conflicting classifications of pathogenicity. Review status: criteria provided, conflicting classifications (1 of 4 stars). 2 submissions from 2 submitters: Uncertain significance (1); Likely benign (1). Last evaluated 2025-09-10.

Conditions:
Familial thoracic aortic aneurysm and aortic dissection (TAAD). Also called: Thoracic aortic aneurysms and dissections. Identifiers: Orphanet 91387, MedGen C4707243, MONDO:0019625.
Marfan syndrome (MFS). Also called: MARFAN SYNDROME, TYPE I; Marfan syndrome type 1; Marfan's syndrome; Marfan syndrome, classic; FBN1-Related Marfan Syndrome. Identifiers: Orphanet 284963, Orphanet 558, MedGen C0024796, MONDO:0007947, OMIM 154700.

Allele frequency attached by ClinVar (database versions not stated): gnomAD exomes below 0.00001; TOPMed below 0.00001; gnomAD 0.00001.
gnomAD v4.1: 8 of 1,613,986 alleles (0.0005%); highest among the groups gnomAD compares: Non-Finnish European, 0.00051%; no homozygotes.

Submissions (2):

Labcorp Genetics (formerly Invitae), Labcorp
Classification: Likely benign for Marfan syndrome; Familial thoracic aortic aneurysm and aortic dissection. Last evaluated: 2025-09-10. Review status: criteria provided, single submitter. Criteria: Invitae Variant Classification Sherloc (09022015). Collection method: clinical testing. Allele origin: germline.

Color Diagnostics, LLC DBA Color Health
Classification: Uncertain significance for Familial thoracic aortic aneurysm and aortic dissection. Last evaluated: 2025-05-12. Review status: criteria provided, single submitter. Criteria: ACMG Guidelines, 2015. Collection method: clinical testing. Allele origin: germline.
Comment: This missense variant replaces alanine with valine at codon 986 of the FBN1 protein. Computational prediction suggests that this variant may not impact protein structure and function. To our knowledge, functional studies have not been reported for this variant. This variant has not been reported in individuals affected with FBN1-related disorders in the literature. This variant has been identified in 1/251468 chromosomes in the general population by the Genome Aggregation Database (gnomAD). The available evidence is insufficient to determine the role of this variant in disease conclusively. Therefore, this variant is classified as a Variant of Uncertain Significance.